The following is an entry in ClinVar:

ClinVar aggregate classification (germline): Uncertain significance (1 of 4 stars; one submission).

Conditions:
Hereditary cancer-predisposing syndrome. Also called: Neoplastic Syndromes, Hereditary; Hereditary Cancer Syndrome; Tumor predisposition; Hereditary neoplastic syndrome. Identifiers: Orphanet 140162, MedGen C0027672, MeSH D009386, MONDO:0015356.

Allele frequency attached by ClinVar (database versions not stated): gnomAD exomes below 0.00001.
gnomAD v4.1: 1 of 1,613,020 alleles (0.000062%); highest among the groups gnomAD compares: Non-Finnish European, 0.000085%; no homozygotes.

Submission:

Labcorp Genetics (formerly Invitae), Labcorp
Classification: Uncertain significance for Hereditary cancer-predisposing syndrome. Last evaluated: 2018-02-02. Review status: criteria provided, single submitter. Criteria: Invitae Variant Classification Sherloc (09022015). Collection method: clinical testing. Allele origin: germline.
Comment: This sequence change replaces glycine with serine at codon 1046 of the RAD50 protein (p.Gly1046Ser). The glycine residue is moderately conserved and there is a small physicochemical difference between glycine and serine. This variant is not present in population databases (ExAC no frequency). This variant has not been reported in the literature in individuals with RAD50-related disease. Algorithms developed to predict the effect of missense changes on protein structure and function (SIFT, PolyPhen-2, Align-GVGD) all suggest that this variant is likely to be tolerated, but these predictions have not been confirmed by published functional studies and their clinical significance is uncertain. In summary, the available evidence is currently insufficient to determine the role of this variant in disease. Therefore, it has been classified as a Variant of Uncertain Significance.

NM_005732.4(RAD50):c.3136G>A (p.Gly1046Ser)

Gene: RAD50 (RAD50 double strand break repair protein; plus strand). Cytogenetic location: 5q31.1.
Variant type: single nucleotide variant.
Coding change: c.3136G>A on transcript NM_005732.4 (MANE Select); coding-DNA position 3136, G replaced by A.
Protein change: p.Gly1046Ser; replaces glycine 1046 with serine.
Molecular consequence: missense variant.
Genome position (GRCh38, 1-based): chr5:132,616,102, G>A. VCF-style: chr5-132616102-G-A. GRCh37 (hg19) VCF-style: chr5-131951794-G-A.
Other names: short protein forms G1046S.
Identifiers: ClinVar variation 573165 (VCV000573165.9), dbSNP rs1561650130, ClinGen allele CA360963831.
Genomic context (GRCh38, chr5:132,616,102, plus strand): 5'-AAAAGAAATGAGGAACTAAAAGAAGTTGAAGAAGAAAGAAAACAACATTTGAAGGAAATG[G>A]GTCAAATGCAGGTTTTGCAAATGAAAAGGTATGCTTTTAAAATAATCTTCAGTTTAAATA-3'
Protein context (NP_005723.2, residues 1036-1056): EERKQHLKEM[Gly1046Ser]QMQVLQMKSE